The following is an entry in ClinVar:

NM_000053.4(ATP7B):c.962G>A (p.Gly321Glu)

Gene: ATP7B (ATPase copper transporting beta; minus strand). Cytogenetic location: 13q14.3.
Variant type: single nucleotide variant.
Coding change: c.962G>A on transcript NM_000053.4 (MANE Select); coding-DNA position 962, G replaced by A.
Protein change: p.Gly321Glu; replaces glycine 321 with glutamic acid.
Molecular consequence: missense variant. On other transcripts: intron variant (2).
Genome position (GRCh38, 1-based): chr13:51,974,258, C>T on the plus strand (G>A on the coding strand, the complement: ATP7B is on the minus strand). VCF-style: chr13-51974258-C-T. GRCh37 (hg19) VCF-style: chr13-52548394-C-T.
Other names: c.962G>A, p.Gly321Glu (NM_001406532.1, NM_001406534.1, NM_001406535.1 and 29 more transcripts); c.866G>A, p.Gly289Glu (NM_001406536.1, NM_001406543.1, NM_001406517.1 and 3 more transcripts); c.802+160G>A (NM_001243182.2); c.706+160G>A (NM_001406539.1); short protein forms G289E, G321E.
Identifiers: ClinVar variation 4758073 (VCV004758073.1).

ClinVar aggregate classification (germline): Uncertain significance (1 of 4 stars; one submission).

Conditions:
Wilson disease (WND). Also called: Wilson's disease. Identifiers: Orphanet 905, MedGen C0019202, MONDO:0010200, OMIM 277900. Disease mechanism: loss of function.

Submission:

Color Diagnostics, LLC DBA Color Health
Classification: Uncertain significance for Wilson disease. Last evaluated: 2025-08-22. Review status: criteria provided, single submitter. Criteria: ACMG Guidelines, 2015. Collection method: clinical testing. Allele origin: germline.
Comment: This missense variant replaces glycine with glutamic acid at codon 321 of the ATP7B protein. Computational prediction is inconclusive regarding the impact of this variant on protein structure and function. To our knowledge, functional studies have not been reported for this variant. This variant has not been reported in individuals affected with ATP7B-related disorders in the literature. This variant has not been identified in the general population by the Genome Aggregation Database (gnomAD). The available evidence is insufficient to determine the role of this variant in disease conclusively. Therefore, this variant is classified as a Variant of Uncertain Significance.